The following is an entry in ClinVar:

NM_003105.6(SORL1):c.5882A>G (p.Gln1961Arg)

Gene: SORL1 (sortilin related receptor 1; plus strand). Cytogenetic location: 11q24.1.
Variant type: single nucleotide variant.
Coding change: c.5882A>G on transcript NM_003105.6 (MANE Select); coding-DNA position 5882, A replaced by G.
Protein change: p.Gln1961Arg; replaces glutamine 1961 with arginine.
Molecular consequence: missense variant.
Genome position (GRCh38, 1-based): chr11:121,619,910, A>G. VCF-style: chr11-121619910-A-G. GRCh37 (hg19) VCF-style: chr11-121490619-A-G.
Other names: short protein forms Q1961R.
Identifiers: ClinVar variation 1413824 (VCV001413824.6), dbSNP rs2134946273, ClinGen allele CA383043609.

ClinVar aggregate classification (germline): Uncertain significance (1 of 4 stars; one submission).

Allele frequency attached by ClinVar (database versions not stated): gnomAD exomes below 0.00001.
gnomAD v4.1: 4 of 1,611,870 alleles (0.00025%); highest among the groups gnomAD compares: Non-Finnish European, 0.00034%; no homozygotes.

Submission:

Labcorp Genetics (formerly Invitae), Labcorp
Classification: Uncertain significance. Last evaluated: 2021-08-31. Review status: criteria provided, single submitter. Criteria: Invitae Variant Classification Sherloc (09022015). Collection method: clinical testing. Allele origin: germline.
Comment: This sequence change replaces glutamine with arginine at codon 1961 of the SORL1 protein (p.Gln1961Arg). The glutamine residue is moderately conserved and there is a small physicochemical difference between glutamine and arginine. This variant is not present in population databases (ExAC no frequency). This variant has not been reported in the literature in individuals affected with SORL1-related conditions. Algorithms developed to predict the effect of missense changes on protein structure and function are either unavailable or do not agree on the potential impact of this missense change (SIFT: "Deleterious"; PolyPhen-2: "Benign"; Align-GVGD: "Class C0"). In summary, the available evidence is currently insufficient to determine the role of this variant in disease. Therefore, it has been classified as a Variant of Uncertain Significance.